The following is an entry in ClinVar:

ClinVar aggregate classification (germline): Uncertain significance (1 of 4 stars; one submission).

Conditions:
RPL10-related disorder. Also called: RPL10-related condition.

Submission:

PreventionGenetics, part of Exact Sciences
Classification: Uncertain significance for RPL10-related condition. Last evaluated: 2023-01-07. Review status: criteria provided, single submitter. Criteria: ACMG Guidelines, 2015. Collection method: clinical testing. Allele origin: germline.
Comment: The RPL10 c.329+6C>G variant is predicted to interfere with splicing. To our knowledge, this variant has not been reported in the literature or in a large population database, indicating this variant is rare. At this time, the clinical significance of this variant is uncertain due to the absence of conclusive functional and genetic evidence.

NM_006013.5(RPL10):c.329+6C>G

Gene: RPL10 (ribosomal protein L10; plus strand). Cytogenetic location: Xq28.
Variant type: single nucleotide variant.
Coding change: c.329+6C>G on transcript NM_006013.5 (MANE Select); 6 bases into the intron after coding-DNA position 329, C replaced by G.
Molecular consequence: intron variant.
Genome position (GRCh38, 1-based): chrX:154,399,947, C>G. VCF-style: chrX-154399947-C-G. GRCh37 (hg19) VCF-style: chrX-153628288-C-G.
Other names: c.329+6C>G (NM_001303625.1, NM_001256577.2, NM_001303624.2 and 1 more transcripts); c.221+6C>G (NM_001256580.2).
Identifiers: ClinVar variation 2629407 (VCV002629407.1), dbSNP rs2522815696, ClinGen allele CA2695197198.
Genomic context (GRCh38, chrX:154,399,947, plus strand): 5'-ACCCCTTCCACGTCATCCGCATCAACAAGATGTTGTCCTGTGCTGGGGCTGACAGGTGAG[C>G]TTGGTCTGGGCCTTTTAAGGCAGTTGGAGTCTCTACATTATTAGGCTTGCATTATTTTAT-3'